The following is an entry in ClinVar:

NM_000059.4(BRCA2):c.5632A>T (p.Asn1878Tyr)

Gene: BRCA2 (BRCA2 DNA repair associated; plus strand). Cytogenetic location: 13q13.1.
Variant type: single nucleotide variant.
Coding change: c.5632A>T on transcript NM_000059.4 (MANE Select); coding-DNA position 5632, A replaced by T.
Protein change: p.Asn1878Tyr; replaces asparagine 1878 with tyrosine.
Molecular consequence: missense variant. On other transcripts: non-coding transcript variant (1), intron variant (2).
Genome position (GRCh38, 1-based): chr13:32,339,987, A>T. VCF-style: chr13-32339987-A-T. GRCh37 (hg19) VCF-style: chr13-32914124-A-T.
Other names: N1878Y; 5860A>T; c.5632A>T, p.Asn1878Tyr (NM_001406719.1, NM_001406720.1, NM_001432077.1); c.1910-4571A>T (NM_001406721.1); c.425-4571A>T (NM_001406722.1).
Identifiers: ClinVar variation 37982 (VCV000037982.3), dbSNP rs397507358, ClinGen allele CA022763.

ClinVar aggregate classification (germline): Uncertain significance. Review status: criteria provided, single submitter (1 of 4 stars). 2 submissions from 2 submitters: Uncertain significance (1). 1 of the submissions does not count toward it. Last evaluated 2026-07-01.

Conditions:
Hereditary cancer-predisposing syndrome. Also called: Tumor predisposition; Hereditary Cancer Syndrome; Hereditary neoplastic syndrome; Neoplastic Syndromes, Hereditary. Identifiers: Orphanet 140162, MedGen C0027672, MeSH D009386, MONDO:0015356.
Breast-ovarian cancer, familial, susceptibility to, 2 (BROVCA2). Also called: BRCA2 Hereditary Breast and Ovarian Cancer. Identifiers: Orphanet 145, MedGen C2675520, MONDO:0012933, OMIM 612555. Disease mechanism: loss of function.

Submissions (2):

Ambry Genetics
Classification: Uncertain significance for Hereditary cancer-predisposing syndrome. Last evaluated: 2026-07-01. Review status: criteria provided, single submitter. Criteria: Ambry Variant Classification Scheme 2023. Collection method: clinical testing. Allele origin: germline.
Comment: The p.N1878Y variant (also known as c.5632A>T), located in coding exon 10 of the BRCA2 gene, results from an A to T substitution at nucleotide position 5632. The asparagine at codon 1878 is replaced by tyrosine, an amino acid with dissimilar properties. This amino acid position is conserved. In addition, this alteration is predicted to be tolerated by in silico analysis. Based on the available evidence, the clinical significance of this variant remains unclear.

Sharing Clinical Reports Project (SCRP)
Classification: Uncertain significance for Breast-ovarian cancer, familial 2. Last evaluated: 2011-12-07. Review status: no assertion criteria provided. Collection method: clinical testing. Allele origin: germline. Not counted in ClinVar's aggregate classification.